The following is an entry in ClinVar:

NM_000059.4(BRCA2):c.2297C>A (p.Ala766Asp)

Gene: BRCA2 (BRCA2 DNA repair associated; plus strand). Cytogenetic location: 13q13.1.
Variant type: single nucleotide variant.
Coding change: c.2297C>A on transcript NM_000059.4 (MANE Select); coding-DNA position 2297, C replaced by A.
Protein change: p.Ala766Asp; replaces alanine 766 with aspartic acid.
Molecular consequence: missense variant.
Genome position (GRCh38, 1-based): chr13:32,336,652, C>A. VCF-style: chr13-32336652-C-A. GRCh37 (hg19) VCF-style: chr13-32910789-C-A.
Other names: c.2297C>A (NM_000059.3); short protein forms A766D.
Identifiers: ClinVar variation 1016968 (VCV001016968.14), dbSNP rs2072454625, ClinGen allele CA387771268.
Genomic context (GRCh38, chr13:32,336,652, plus strand): 5'-TGGAATACAGTGATACTGACTTTCAATCCCAGAAAAGTCTTTTATATGATCATGAAAATG[C>A]CAGCACTCTTATTTTAACTCCTACTTCCAAGGATGTTCTGTCAAACCTAGTCATGATTTC-3'
Protein context (NP_000050.3, residues 756-776): QKSLLYDHEN[Ala766Asp]STLILTPTSK

ClinVar aggregate classification (germline): Conflicting classifications of pathogenicity. Review status: criteria provided, conflicting classifications (1 of 4 stars). 4 submissions from 4 submitters: Uncertain significance (3); Likely benign (1). Last evaluated 2023-05-29.

Conditions:
Breast-ovarian cancer, familial, susceptibility to, 2 (BROVCA2). Also called: BRCA2 Hereditary Breast and Ovarian Cancer. Identifiers: Orphanet 145, MedGen C2675520, MONDO:0012933, OMIM 612555. Disease mechanism: loss of function.
Hereditary cancer-predisposing syndrome. Also called: Hereditary Cancer Syndrome; Hereditary neoplastic syndrome; Tumor predisposition; Neoplastic Syndromes, Hereditary. Identifiers: Orphanet 140162, MedGen C0027672, MeSH D009386, MONDO:0015356.
Hereditary breast ovarian cancer syndrome. Also called: Hereditary breast and ovarian cancer syndrome; BRCA1- and BRCA2-Associated Hereditary Breast and Ovarian Cancer; Hereditary breast and ovarian cancer; Hereditary breast and ovarian cancer syndrome (HBOC); Breast and ovarian cancer; Hereditary breast and/or ovarian cancer syndrome. Identifiers: Orphanet 145, MedGen C0677776, MeSH D061325, MONDO:0003582. Disease mechanism: loss of function.

Allele frequency attached by ClinVar (database versions not stated): gnomAD exomes below 0.00001.
gnomAD v4.1: 1 of 1,613,894 alleles (0.000062%); highest among the groups gnomAD compares: Non-Finnish European, 0.000085%; no homozygotes.

Submissions (4):

KCCC/NGS Laboratory, Kuwait Cancer Control Center
Classification: Uncertain significance for Breast-ovarian cancer, familial, susceptibility to, 2. Last evaluated: 2023-05-29. Review status: criteria provided, single submitter. Criteria: ACMG Guidelines, 2015. Collection method: clinical testing. Allele origin: unknown. Inheritance: Autosomal dominant inheritance. Affected: yes. Observed: 1 heterozygote.
Comment: This sequence change replaces alanine with aspartic acid at codon 766 of the BRCA2 protein (p.Ala766Asp). The alanine residue is weakly conserved . This variant is not present in population databases (gnomAD). This variant has not been reported in the literature in individuals affected with BRCA2-related conditions.ClinVar contains an entry for this variant (Variation ID: 1016968). this alteration is predicted to be tolerated by in silico analysis.. In summary, the available evidence is currently insufficient to determine the role of this variant in disease. Therefore, it has been classified as a Variant of Uncertain Significance.

University of Washington Department of Laboratory Medicine, University of Washington
Classification: Likely benign for Hereditary cancer-predisposing syndrome. Last evaluated: 2023-03-23. Review status: criteria provided, single submitter. Criteria: Dines et al. (Genet Med. 2020). Collection method: curation. Allele origin: germline.
Comment: Missense variant in a coldspot region where missense variants are very unlikely to be pathogenic (PMID:31911673).

BRCA2 exon 11 coldspot. Reclassification based on statistical prior probability.

Labcorp Genetics (formerly Invitae), Labcorp
Classification: Uncertain significance for Hereditary breast ovarian cancer syndrome. Last evaluated: 2023-03-16. Review status: criteria provided, single submitter. Criteria: Invitae Variant Classification Sherloc (09022015). Collection method: clinical testing. Allele origin: germline.
Comment: In summary, the available evidence is currently insufficient to determine the role of this variant in disease. Therefore, it has been classified as a Variant of Uncertain Significance. Advanced modeling of protein sequence and biophysical properties (such as structural, functional, and spatial information, amino acid conservation, physicochemical variation, residue mobility, and thermodynamic stability) performed at Invitae indicates that this missense variant is not expected to disrupt BRCA2 protein function. ClinVar contains an entry for this variant (Variation ID: 1016968). This variant has not been reported in the literature in individuals affected with BRCA2-related conditions. This variant is not present in population databases (gnomAD no frequency). This sequence change replaces alanine, which is neutral and non-polar, with aspartic acid, which is acidic and polar, at codon 766 of the BRCA2 protein (p.Ala766Asp).

Blueprint Genetics
Classification: Uncertain significance. Last evaluated: 2023-03-03. Review status: criteria provided, single submitter. Criteria: ACMG Guidelines, 2015. Collection method: clinical testing. Allele origin: germline.